The following is an entry in ClinVar:

NM_144687.4(NLRP12):c.434C>T (p.Ala145Val)

Gene: NLRP12 (NLR family pyrin domain containing 12; minus strand). Cytogenetic location: 19q13.42.
Variant type: single nucleotide variant.
Coding change: c.434C>T on transcript NM_144687.4 (MANE Select); coding-DNA position 434, C replaced by T.
Protein change: p.Ala145Val; replaces alanine 145 with valine.
Molecular consequence: missense variant.
Genome position (GRCh38, 1-based): chr19:53,811,225, G>A on the plus strand (C>T on the coding strand, the complement: NLRP12 is on the minus strand). VCF-style: chr19-53811225-G-A. GRCh37 (hg19) VCF-style: chr19-54314479-G-A.
Other names: c.434C>T, p.Ala145Val (NM_001277126.2, NM_001277129.1); short protein forms A145V.
Identifiers: ClinVar variation 1064374 (VCV001064374.9), dbSNP rs780751328, ClinGen allele CA407416970.

ClinVar aggregate classification (germline): Uncertain significance (1 of 4 stars; one submission).

Conditions:
Familial cold autoinflammatory syndrome 2 (FCAS2). Identifiers: Orphanet 247868, MedGen C2673198, MONDO:0012724, OMIM 611762.

gnomAD v4.1: 13 of 1,614,092 alleles (0.00081%); highest among the groups gnomAD compares: Non-Finnish European, 0.0011%; no homozygotes.

Submission:

Labcorp Genetics (formerly Invitae), Labcorp
Classification: Uncertain significance for Familial cold autoinflammatory syndrome 2. Last evaluated: 2025-04-09. Review status: criteria provided, single submitter. Criteria: Invitae Variant Classification Sherloc (09022015). Collection method: clinical testing. Allele origin: germline.
Comment: This sequence change replaces alanine, which is neutral and non-polar, with valine, which is neutral and non-polar, at codon 145 of the NLRP12 protein (p.Ala145Val). This variant is not present in population databases (gnomAD no frequency). This variant has not been reported in the literature in individuals affected with NLRP12-related conditions. ClinVar contains an entry for this variant (Variation ID: 1064374). Invitae Evidence Modeling of protein sequence and biophysical properties (such as structural, functional, and spatial information, amino acid conservation, physicochemical variation, residue mobility, and thermodynamic stability) indicates that this missense variant is not expected to disrupt NLRP12 protein function with a negative predictive value of 80%. In summary, the available evidence is currently insufficient to determine the role of this variant in disease. Therefore, it has been classified as a Variant of Uncertain Significance.